The following is an entry in ClinVar:

NM_000275.3(OCA2):c.2050T>G (p.Phe684Val)

Gene: OCA2 (OCA2 melanosomal transmembrane protein; minus strand). Cytogenetic location: 15q13.1.
Variant type: single nucleotide variant.
Coding change: c.2050T>G on transcript NM_000275.3 (MANE Select); coding-DNA position 2050, T replaced by G.
Protein change: p.Phe684Val; replaces phenylalanine 684 with valine.
Molecular consequence: missense variant.
Genome position (GRCh38, 1-based): chr15:27,926,156, A>C on the plus strand (T>G on the coding strand, the complement: OCA2 is on the minus strand). VCF-style: chr15-27926156-A-C. GRCh37 (hg19) VCF-style: chr15-28171302-A-C.
Other names: c.1978T>G, p.Phe660Val (NM_001300984.2); short protein forms F660V, F684V.
Identifiers: ClinVar variation 4077122 (VCV004077122.1).
Genomic context (GRCh38, chr15:27,926,156, plus strand): 5'-ATGCCATATGGCAAAAGTTCTAAAATCTTACCTCCATCAGAACAAAGAGCGCTGCAAAAA[A>C]CAGAAGGGTTGCCCATTCCACTCTGTGTAGAATTATCTCAAAATCATGAATATCAGCTAA-3'
Protein context (NP_000266.2, residues 674-694): LHRVEWATLL[Phe684Val]FAALFVLMEA

ClinVar aggregate classification (germline): Likely pathogenic (1 of 4 stars; one submission).

Conditions:
SKIN/HAIR/EYE PIGMENTATION 1, BLUE/NONBLUE EYES (SHEP1). Also called: BROWN EYE COLOR 2; EYE COLOR 3; EYE COLOR, BLUE/NONBLUE; EYE COLOR, BROWN/BLUE; HAIR COLOR 3; SKIN/HAIR/EYE PIGMENTATION 1, BLOND/BROWN HAIR. Identifiers: MedGen C1856895, OMIM 227220.
Tyrosinase-positive oculocutaneous albinism (OCA2). Also called: ALBINISM II; Oculocutaneous albinism type 2; Albinism, oculocutaneous, type II. Identifiers: Orphanet 79432, MedGen C0268495, MONDO:0008746, OMIM 203200.

Submission:

Laboratory of Genetic Epidemiology, Research Centre for Medical Genetics
Classification: Likely pathogenic for SKIN/HAIR/EYE PIGMENTATION 1, BLUE/NONBLUE EYES; Tyrosinase-positive oculocutaneous albinism. Last evaluated: 2025-01-01. Review status: criteria provided, single submitter. Criteria: ACMG Guidelines, 2015. Collection method: clinical testing. Allele origin: maternal. Inheritance: Autosomal recessive inheritance. Affected: yes. Observed: 1 compound heterozygote.
Comment: This variant has not been previously reported in the literature and is listed in gnomAD v3.1.2 with allele frequency 0.000006 (1/152234). The affected amino acid position is evolutionarily conserved, and multiple in silico prediction tools support a deleterious effect. The affected amino acid residue p.(Phe684Val) located in cytoplasmic domain and may disrupts protein dynamics. The previously described (HGMD: CM135775) missense variant at this position NM_000275.3:c.2051T>G, p.(Phe683Cys) has been reported. Taken together, the variant meets the following ACMG/AMP criteria and can be classified as likely pathogenic with PM2, PM5, PM1, PM3, PP4 criteria.

Literature cited by the submitters: PubMed 41428507.